The following is an entry in ClinVar:

ClinVar aggregate classification (germline): Uncertain significance. Review status: criteria provided, multiple submitters, no conflicts (2 of 4 stars). 2 submissions from 2 submitters: Uncertain significance (2). Last evaluated 2025-05-07.

Allele frequency attached by ClinVar (database versions not stated): gnomAD exomes 0.00001; ExAC 0.00002; gnomAD 0.00002; TOPMed 0.00002.
gnomAD v4.1: 13 of 1,613,968 alleles (0.00081%); highest among the groups gnomAD compares: Non-Finnish European, 0.0011%; no homozygotes.

Submissions (2):

Labcorp Genetics (formerly Invitae), Labcorp
Classification: Uncertain significance. Last evaluated: 2025-05-07. Review status: criteria provided, single submitter. Criteria: Invitae Variant Classification Sherloc (09022015). Collection method: clinical testing. Allele origin: germline.
Comment: This sequence change replaces glutamine, which is neutral and polar, with glutamic acid, which is acidic and polar, at codon 487 of the HPS5 protein (p.Gln487Glu). This variant is present in population databases (rs747584462, gnomAD 0.004%). This variant has not been reported in the literature in individuals affected with HPS5-related conditions. ClinVar contains an entry for this variant (Variation ID: 1383958). An algorithm developed to predict the effect of missense changes on protein structure and function (PolyPhen-2) suggests that this variant is likely to be tolerated. In summary, the available evidence is currently insufficient to determine the role of this variant in disease. Therefore, it has been classified as a Variant of Uncertain Significance.

Mayo Clinic Laboratories, Mayo Clinic
Classification: Uncertain significance. Last evaluated: 2025-01-31. Review status: criteria provided, single submitter. Criteria: ACMG Guidelines, 2015. Collection method: clinical testing. Allele origin: germline. Observed: 1 variant allele.
Comment: BP4_moderate, PM2_supporting

NM_181507.2(HPS5):c.1459C>G (p.Gln487Glu)

Gene: HPS5 (HPS5 biogenesis of lysosomal organelles complex 2 subunit 2; minus strand). Cytogenetic location: 11p15.1.
Variant type: single nucleotide variant.
Coding change: c.1459C>G on transcript NM_181507.2 (MANE Select); coding-DNA position 1459, C replaced by G.
Protein change: p.Gln487Glu; replaces glutamine 487 with glutamic acid.
Molecular consequence: missense variant.
Genome position (GRCh38, 1-based): chr11:18,296,849, G>C on the plus strand (C>G on the coding strand, the complement: HPS5 is on the minus strand). VCF-style: chr11-18296849-G-C. GRCh37 (hg19) VCF-style: chr11-18318396-G-C.
Other names: p.Gln487Glu; c.1117C>G, p.Gln373Glu (NM_007216.4, NM_181508.2); short protein forms Q487E, Q373E.
Identifiers: ClinVar variation 1383958 (VCV001383958.7), dbSNP rs747584462, ClinGen allele CA5910138.